The following is an entry in ClinVar:

ClinVar aggregate classification (germline): Uncertain significance (1 of 4 stars; one submission).

gnomAD v4.1: 1 of 1,211,701 alleles (0.000083%); highest among the groups gnomAD compares: Admixed American, 0.0022%; no homozygotes.

Submission:

GeneDx
Classification: Uncertain significance. Last evaluated: 2026-02-11. Review status: criteria provided, single submitter. Criteria: GeneDx Variant Classification Process June 2021. Collection method: clinical testing. Allele origin: germline.
Comment: Not observed at significant frequency in large population cohorts (gnomAD); In silico analysis supports that this missense variant has a deleterious effect on protein structure/function; Has not been previously published as pathogenic or benign to our knowledge

NM_003410.4(ZFX):c.1516C>A (p.His506Asn)

Gene: ZFX (zinc finger protein X-linked; plus strand). Cytogenetic location: Xp22.11.
Variant type: single nucleotide variant.
Coding change: c.1516C>A on transcript NM_003410.4 (MANE Select); coding-DNA position 1516, C replaced by A.
Protein change: p.His506Asn; replaces histidine 506 with asparagine.
Molecular consequence: missense variant. On other transcripts: 3 prime UTR variant (1).
Genome position (GRCh38, 1-based): chrX:24,210,474, C>A. VCF-style: chrX-24210474-C-A. GRCh37 (hg19) VCF-style: chrX-24228591-C-A.
Other names: c.1516C>A, p.His506Asn (NM_001178084.2, NM_001178085.1); c.829C>A, p.His277Asn (NM_001178086.2); c.*276C>A (NM_001178095.2); c.1633C>A, p.His545Asn (NM_001330327.2); short protein forms H277N, H506N, H545N.
Identifiers: ClinVar variation 4686350 (VCV004686350.2).